The following is an entry in ClinVar:

ClinVar aggregate classification (germline): Uncertain significance (1 of 4 stars; one submission).

Conditions:
Nephronophthisis 15 (NPHP15). Identifiers: Orphanet 3156, MedGen C3541853, MONDO:0013917, OMIM 614845.

Submission:

Labcorp Genetics (formerly Invitae), Labcorp
Classification: Uncertain significance for Nephronophthisis 15. Last evaluated: 2025-10-21. Review status: criteria provided, single submitter. Criteria: Invitae Variant Classification Sherloc (09022015). Collection method: clinical testing. Allele origin: germline.
Comment: This sequence change falls in intron 28 of the CEP164 gene. It does not directly change the encoded amino acid sequence of the CEP164 protein. This variant is not present in population databases (gnomAD no frequency). This variant has not been reported in the literature in individuals affected with CEP164-related conditions. Algorithms developed to predict the effect of sequence changes on RNA splicing suggest that this variant may create or strengthen a splice site. In summary, the available evidence is currently insufficient to determine the role of this variant in disease. Therefore, it has been classified as a Variant of Uncertain Significance.

NM_014956.5(CEP164):c.3609+15C>A

Gene: CEP164 (centrosomal protein 164; plus strand). Cytogenetic location: 11q23.3.
Variant type: single nucleotide variant.
Coding change: c.3609+15C>A on transcript NM_014956.5 (MANE Select); 15 bases into the intron after coding-DNA position 3609, C replaced by A.
Molecular consequence: intron variant.
Genome position (GRCh38, 1-based): chr11:117,408,047, C>A. VCF-style: chr11-117408047-C-A. GRCh37 (hg19) VCF-style: chr11-117278763-C-A.
Other names: c.3618+15C>A (NM_001271933.2); c.3450+15C>A (NM_001440972.1); c.3615+15C>A (NM_001440949.1); c.3471+15C>A (NM_001440967.1, NM_001440961.1); c.3522+15C>A (NM_001440956.1); c.3609+15C>A (NM_001440950.1, NM_001440953.1, NM_001440951.1); c.3462+15C>A (NM_001440962.1, NM_001440970.1, NM_001440963.1); c.3459+15C>A (NM_001440964.1, NM_001440965.1, NM_001440971.1 and 1 more transcripts); and 14 more.
Identifiers: ClinVar variation 4729579 (VCV004729579.1).
Genomic context (GRCh38, chr11:117,408,047, plus strand): 5'-GAAAGAGGAGAAGCTGAATCAGTTGGAGTCCTCTCTTTGGGAAGAGGTGCAGCCCCATGT[C>A]CACATAGTCCAGTGGGCCCTGGCCTTCCTCTTCTGTTCTTGGGATTGGGTTGAGTTCTTT-3'